The following is an entry in ClinVar:

NM_004995.4(MMP14):c.1709G>A (p.Arg570Gln)

Gene: MMP14 (matrix metallopeptidase 14; plus strand). Cytogenetic location: 14q11.2.
Variant type: single nucleotide variant.
Coding change: c.1709G>A on transcript NM_004995.4 (MANE Select); coding-DNA position 1709, G replaced by A.
Protein change: p.Arg570Gln; replaces arginine 570 with glutamine.
Molecular consequence: missense variant.
Genome position (GRCh38, 1-based): chr14:22,845,999, G>A. VCF-style: chr14-22845999-G-A. GRCh37 (hg19) VCF-style: chr14-23315208-G-A.
Other names: c.1709G>A (NM_004995.2); short protein forms R570Q.
Identifiers: ClinVar variation 1442855 (VCV001442855.7), dbSNP rs754998921, ClinGen allele CA7105547.
Genomic context (GRCh38, chr14:22,845,999, plus strand): 5'-TCCTGGTGCTGGCGGTGGGCCTTGCAGTCTTCTTCTTCAGACGCCATGGGACCCCCAGGC[G>A]ACTGCTCTACTGCCAGCGTTCCCTGCTGGACAAGGTCTGACGCCCACCGCCGGCCCGCCC-3'
Protein context (NP_004986.1, residues 560-580): FFFRRHGTPR[Arg570Gln]LLYCQRSLLD

ClinVar aggregate classification (germline): Uncertain significance. Review status: criteria provided, multiple submitters, no conflicts (2 of 4 stars). 2 submissions from 2 submitters: Uncertain significance (2). Last evaluated 2025-12-19.

Conditions:
Inborn genetic diseases. Identifiers: MedGen C0950123, MeSH D030342.

Allele frequency attached by ClinVar (database versions not stated): gnomAD exomes 0.00001; TOPMed 0.00002; gnomAD 0.00005; ExAC 0.00006.
gnomAD v4.1: 19 of 1,534,180 alleles (0.0012%); highest among the groups gnomAD compares: Admixed American, 0.012%; no homozygotes.

Submissions (2):

Ambry Genetics
Classification: Uncertain significance for Inborn genetic diseases. Last evaluated: 2025-12-19. Review status: criteria provided, single submitter. Criteria: Ambry Variant Classification Scheme 2023. Collection method: clinical testing. Allele origin: germline.

Labcorp Genetics (formerly Invitae), Labcorp
Classification: Uncertain significance. Last evaluated: 2024-12-23. Review status: criteria provided, single submitter. Criteria: Invitae Variant Classification Sherloc (09022015). Collection method: clinical testing. Allele origin: germline.
Comment: This sequence change replaces arginine, which is basic and polar, with glutamine, which is neutral and polar, at codon 570 of the MMP14 protein (p.Arg570Gln). The frequency data for this variant in the population databases is considered unreliable, as metrics indicate poor data quality at this position in the gnomAD database. This variant has not been reported in the literature in individuals affected with MMP14-related conditions. ClinVar contains an entry for this variant (Variation ID: 1442855). An algorithm developed to predict the effect of missense changes on protein structure and function outputs the following: PolyPhen-2: "Possibly Damaging". The glutamine amino acid residue is found in multiple mammalian species, which suggests that this missense change does not adversely affect protein function. In summary, the available evidence is currently insufficient to determine the role of this variant in disease. Therefore, it has been classified as a Variant of Uncertain Significance.